The following is an entry in ClinVar:

Conditions:
Long QT syndrome 5 (LQT5). Identifiers: Orphanet 101016, Orphanet 768, MedGen C1867904, MONDO:0013372, OMIM 613695.

Submission:

Roden Lab, Vanderbilt University Medical Center
No classification provided (evidence only). Condition: Long QT syndrome 5. Review status: no classification provided. Collection method: in vitro. Allele origin: not applicable. Functional consequence: Effect on ion channel function.
ClinVar note: "not provided" was previously submitted as the classification for the variant. However, the classification appeared to be based only on an observation of functional data so it was converted to no classification on 2025-07-30.

NM_000219.6(KCNE1):c.120C>G (p.Gly40=)

Gene: KCNE1 (potassium voltage-gated channel subfamily E regulatory subunit 1; minus strand). Cytogenetic location: 21q22.12.
Variant type: single nucleotide variant.
Coding change: c.120C>G on transcript NM_000219.6 (MANE Select); coding-DNA position 120, C replaced by G.
Protein change: p.Gly40=; no amino-acid change (glycine 40 retained).
Molecular consequence: synonymous variant.
Genome position (GRCh38, 1-based): chr21:34,449,515, G>C on the plus strand (C>G on the coding strand, the complement: KCNE1 is on the minus strand). VCF-style: chr21-34449515-G-C. GRCh37 (hg19) VCF-style: chr21-35821813-G-C.
Other names: c.120C>G, p.Gly40= (NM_001127668.4, NM_001127669.4, NM_001127670.4 and 4 more transcripts).
Identifiers: ClinVar variation 3374097 (VCV003374097.2).